The following is an entry in ClinVar:

ClinVar aggregate classification (germline): Uncertain significance (1 of 4 stars; one submission).

Conditions:
Early Myoclonic Encephalopathy. Identifiers: MedGen C0270855.

gnomAD v4.1: 12 of 1,611,466 alleles (0.00074%); highest among the groups gnomAD compares: Non-Finnish European, 0.00059%; no homozygotes.

Submission:

Labcorp Genetics (formerly Invitae), Labcorp
Classification: Uncertain significance for Early Myoclonic Encephalopathy. Last evaluated: 2023-01-24. Review status: criteria provided, single submitter. Criteria: Invitae Variant Classification Sherloc (09022015). Collection method: clinical testing. Allele origin: germline.
Comment: This sequence change replaces glycine, which is neutral and non-polar, with aspartic acid, which is acidic and polar, at codon 253 of the JMJD1C protein (p.Gly253Asp). In summary, the available evidence is currently insufficient to determine the role of this variant in disease. Therefore, it has been classified as a Variant of Uncertain Significance. Algorithms developed to predict the effect of sequence changes on RNA splicing suggest that this variant may disrupt the consensus splice site. Algorithms developed to predict the effect of missense changes on protein structure and function are either unavailable or do not agree on the potential impact of this missense change (SIFT: "Deleterious"; PolyPhen-2: "Possibly Damaging"; Align-GVGD: "Class C0"). This variant has not been reported in the literature in individuals affected with JMJD1C-related conditions. This variant is present in population databases (rs749593063, gnomAD 0.004%).

NM_032776.3(JMJD1C):c.758G>A (p.Gly253Asp)

Gene: JMJD1C (jumonji domain containing 1C; minus strand). Cytogenetic location: 10q21.3.
Variant type: single nucleotide variant.
Coding change: c.758G>A on transcript NM_032776.3 (MANE Select); coding-DNA position 758, G replaced by A.
Protein change: p.Gly253Asp; replaces glycine 253 with aspartic acid.
Molecular consequence: missense variant. On other transcripts: 5 prime UTR variant (1), non-coding transcript variant (1).
Genome position (GRCh38, 1-based): chr10:63,215,617, C>T on the plus strand (G>A on the coding strand, the complement: JMJD1C is on the minus strand). VCF-style: chr10-63215617-C-T. GRCh37 (hg19) VCF-style: chr10-64975377-C-T.
Other names: c.212G>A, p.Gly71Asp (NM_001282948.2, NM_001318154.2); c.-111G>A (NM_001318153.2); c.644G>A, p.Gly215Asp (NM_001322252.2); c.101G>A, p.Gly34Asp (NM_001322254.2, NM_001322258.2); short protein forms G71D, G215D, G34D, G253D.
Identifiers: ClinVar variation 2829627 (VCV002829627.3), dbSNP rs749593063, ClinGen allele CA5518962.